The following is an entry in ClinVar:

NM_000026.4(ADSL):c.842C>G (p.Pro281Arg)

Gene: ADSL (adenylosuccinate lyase; plus strand). Cytogenetic location: 22q13.1.
Variant type: single nucleotide variant.
Coding change: c.842C>G on transcript NM_000026.4 (MANE Select); coding-DNA position 842, C replaced by G.
Protein change: p.Pro281Arg; replaces proline 281 with arginine.
Molecular consequence: missense variant. On other transcripts: non-coding transcript variant (1).
Genome position (GRCh38, 1-based): chr22:40,361,322, C>G. VCF-style: chr22-40361322-C-G. GRCh37 (hg19) VCF-style: chr22-40757326-C-G.
Other names: c.842C>G, p.Pro281Arg (NM_001123378.3, NM_001363840.3); c.650C>G, p.Pro217Arg (NM_001317923.2); short protein forms P281R, P217R.
Identifiers: ClinVar variation 660952 (VCV000660952.9), dbSNP rs371529148, ClinGen allele CA10247843.
Genomic context (GRCh38, chr22:40,361,322, plus strand): 5'-ACCTCCCCCAGATTTGCACCGACATACGCCTCCTGGCAAACCTCAAGGAGATGGAGGAAC[C>G]CTTTGAAAAACAGCAGATTGGTGAGTGCTGTGTAGAGACCTGTGAGCACACATTGCTGCT-3'
Protein context (NP_000017.1, residues 271-291): LLANLKEMEE[Pro281Arg]FEKQQIGSSA

ClinVar aggregate classification (germline): Conflicting classifications of pathogenicity. Review status: criteria provided, conflicting classifications (1 of 4 stars). 2 submissions from 2 submitters: Likely pathogenic (1); Uncertain significance (1). Last evaluated 2025-10-27.

Conditions:
Adenylosuccinate lyase deficiency (ADSLD). Also called: ADSL DEFICIENCY. Identifiers: Orphanet 46, MedGen C0268126, MONDO:0007068, OMIM 103050.

Allele frequency attached by ClinVar (database versions not stated): ExAC 0.00001; gnomAD 0.00001; TOPMed 0.00002; gnomAD exomes 0.00003; ESP Exome Variant Server 0.00008.
gnomAD v4.1: 40 of 1,614,078 alleles (0.0025%); highest among the groups gnomAD compares: Non-Finnish European, 0.0033%; no homozygotes.

Submissions (2):

GeneDx
Classification: Likely pathogenic. Last evaluated: 2025-10-27. Review status: criteria provided, single submitter. Criteria: GeneDx Variant Classification Process June 2021. Collection method: clinical testing. Allele origin: germline. Affected: yes.
Comment: Not observed at significant frequency in large population cohorts (gnomAD); In silico analysis supports that this missense variant has a deleterious effect on protein structure/function; Has not been previously published as pathogenic or benign to our knowledge

Labcorp Genetics (formerly Invitae), Labcorp
Classification: Uncertain significance for Adenylosuccinate lyase deficiency. Last evaluated: 2025-08-08. Review status: criteria provided, single submitter. Criteria: Invitae Variant Classification Sherloc (09022015). Collection method: clinical testing. Allele origin: germline.
Comment: This sequence change replaces proline, which is neutral and non-polar, with arginine, which is basic and polar, at codon 281 of the ADSL protein (p.Pro281Arg). This variant is not present in population databases (gnomAD no frequency). This variant has not been reported in the literature in individuals affected with ADSL-related conditions. ClinVar contains an entry for this variant (Variation ID: 660952). Invitae Evidence Modeling of protein sequence and biophysical properties (such as structural, functional, and spatial information, amino acid conservation, physicochemical variation, residue mobility, and thermodynamic stability) indicates that this missense variant is expected to disrupt ADSL protein function with a positive predictive value of 80%. In summary, the available evidence is currently insufficient to determine the role of this variant in disease. Therefore, it has been classified as a Variant of Uncertain Significance.